The following is an entry in ClinVar:

NM_001079807.4(PGA3):c.900C>T (p.Ser300=)

Gene: PGA3 (pepsinogen A3; plus strand). Cytogenetic location: 11q12.2.
Variant type: single nucleotide variant.
Coding change: c.900C>T on transcript NM_001079807.4 (MANE Select); coding-DNA position 900, C replaced by T.
Protein change: p.Ser300=; no amino-acid change (serine 300 retained).
Molecular consequence: synonymous variant.
Genome position (GRCh38, 1-based): chr11:61,211,216, C>T. VCF-style: chr11-61211216-C-T. GRCh37 (hg19) VCF-style: chr11-60978688-C-T.
Identifiers: ClinVar variation 3770910 (VCV003770910.13).

ClinVar aggregate classification (germline): Likely benign (1 of 4 stars; one submission).

Submission:

CeGaT Center for Human Genetics Tuebingen
Classification: Likely benign. Last evaluated: 2025-02-01. Review status: criteria provided, single submitter. Criteria: CeGaT Center For Human Genetics Tuebingen Variant Classification Criteria Version 2. Collection method: clinical testing. Allele origin: germline. Affected: yes. Observed: 1 variant allele.
Comment: PGA3: BP4, BP7